The following is an entry in ClinVar:

NM_004727.3(SLC24A1):c.2587G>A (p.Glu863Lys)

Gene: SLC24A1 (solute carrier family 24 member 1; plus strand). Cytogenetic location: 15q22.31.
Variant type: single nucleotide variant.
Coding change: c.2587G>A on transcript NM_004727.3 (MANE Select); coding-DNA position 2587, G replaced by A.
Protein change: p.Glu863Lys; replaces glutamic acid 863 with lysine.
Molecular consequence: missense variant.
Genome position (GRCh38, 1-based): chr15:65,650,736, G>A. VCF-style: chr15-65650736-G-A. GRCh37 (hg19) VCF-style: chr15-65943074-G-A.
Other names: c.568G>A, p.Glu190Lys (NM_001254740.2); c.2587G>A, p.Glu863Lys (NM_001301031.1); c.2533G>A, p.Glu845Lys (NM_001301032.1, NM_001301033.2); c.2587G>A (NM_004727.2); short protein forms E863K, E845K, E190K.
Identifiers: ClinVar variation 1429454 (VCV001429454.4), dbSNP rs1482836327, ClinGen allele CA392899828.
Genomic context (GRCh38, chr15:65,650,736, plus strand): 5'-AATGATGAGAAAGGTGTAGAAGATGGAGGGGGAAGTGATGGAGGGGATAGCGAAGAGGAG[G>A]AAGAGGAGGAGGAAGAGCAGGAGGAAGAGGAGGAGGAGGAAGAGCAGGAGGAAGAGGAGG-3'
Protein context (NP_004718.1, residues 853-873): GSDGGDSEEE[Glu863Lys]EEEEEQEEEE

ClinVar aggregate classification (germline): Uncertain significance. Review status: criteria provided, multiple submitters, no conflicts (2 of 4 stars). 2 submissions from 2 submitters: Uncertain significance (2). Last evaluated 2025-12-30.

Conditions:
SLC24A1-related disorder. Also called: SLC24A1-related condition.

Allele frequency attached by ClinVar (database versions not stated): gnomAD 0.00001; gnomAD exomes 0.00001.
gnomAD v4.1: 7 of 1,588,978 alleles (0.00044%); highest among the groups gnomAD compares: Admixed American, 0.011%; no homozygotes.

Submissions (2):

PreventionGenetics, part of Exact Sciences
Classification: Uncertain significance for SLC24A1-related condition. Last evaluated: 2025-12-30. Review status: criteria provided, single submitter. Criteria: ACMG Guidelines, 2015. Collection method: clinical testing. Allele origin: germline.
Comment: The SLC24A1 c.2587G>A variant is predicted to result in the amino acid substitution p.Glu863Lys. To our knowledge, this variant has not been reported in the literature. This variant is reported in 0.0067% of alleles in individuals of Latino descent in gnomAD. At this time, the clinical significance of this variant is uncertain due to the absence of conclusive functional and genetic evidence.

Labcorp Genetics (formerly Invitae), Labcorp
Classification: Uncertain significance. Last evaluated: 2022-07-11. Review status: criteria provided, single submitter. Criteria: Invitae Variant Classification Sherloc (09022015). Collection method: clinical testing. Allele origin: germline.
Comment: This sequence change replaces glutamic acid, which is acidic and polar, with lysine, which is basic and polar, at codon 863 of the SLC24A1 protein (p.Glu863Lys). The frequency data for this variant in the population databases is considered unreliable, as metrics indicate poor data quality at this position in the gnomAD database. This variant has not been reported in the literature in individuals affected with SLC24A1-related conditions. ClinVar contains an entry for this variant (Variation ID: 1429454). Algorithms developed to predict the effect of missense changes on protein structure and function (SIFT, PolyPhen-2, Align-GVGD) all suggest that this variant is likely to be tolerated. In summary, the available evidence is currently insufficient to determine the role of this variant in disease. Therefore, it has been classified as a Variant of Uncertain Significance.